The following is an entry in ClinVar:

NM_024685.4(BBS10):c.344C>T (p.Thr115Ile)

Gene: BBS10 (Bardet-Biedl syndrome 10; minus strand). Cytogenetic location: 12q21.2.
Variant type: single nucleotide variant.
Coding change: c.344C>T on transcript NM_024685.4 (MANE Select); coding-DNA position 344, C replaced by T.
Protein change: p.Thr115Ile; replaces threonine 115 with isoleucine.
Molecular consequence: missense variant.
Genome position (GRCh38, 1-based): chr12:76,347,641, G>A on the plus strand (C>T on the coding strand, the complement: BBS10 is on the minus strand). VCF-style: chr12-76347641-G-A. GRCh37 (hg19) VCF-style: chr12-76741421-G-A.
Other names: short protein forms T115I.
Identifiers: ClinVar variation 972197 (VCV000972197.7), dbSNP rs1254886838, ClinGen allele CA385815707.

ClinVar aggregate classification (germline): Uncertain significance (1 of 4 stars; one submission).

Conditions:
Bardet-Biedl syndrome (BBS). Identifiers: Orphanet 110, MedGen C0752166, MONDO:0015229.

Allele frequency attached by ClinVar (database versions not stated): gnomAD exomes below 0.00001; gnomAD 0.00001; TOPMed 0.00001.
gnomAD v4.1: 8 of 1,613,424 alleles (0.0005%); highest among the groups gnomAD compares: Non-Finnish European, 0.00068%; no homozygotes.

Submission:

Labcorp Genetics (formerly Invitae), Labcorp
Classification: Uncertain significance for Bardet-Biedl syndrome. Last evaluated: 2022-02-04. Review status: criteria provided, single submitter. Criteria: Invitae Variant Classification Sherloc (09022015). Collection method: clinical testing. Allele origin: germline.
Comment: This sequence change replaces threonine, which is neutral and polar, with isoleucine, which is neutral and non-polar, at codon 115 of the BBS10 protein (p.Thr115Ile). This variant is present in population databases (no rsID available, gnomAD 0.002%). This variant has not been reported in the literature in individuals affected with BBS10-related conditions. ClinVar contains an entry for this variant (Variation ID: 972197). Algorithms developed to predict the effect of missense changes on protein structure and function are either unavailable or do not agree on the potential impact of this missense change (SIFT: "Deleterious"; PolyPhen-2: "Possibly Damaging"; Align-GVGD: "Class C0"). In summary, the available evidence is currently insufficient to determine the role of this variant in disease. Therefore, it has been classified as a Variant of Uncertain Significance.